The following is an entry in ClinVar:

ClinVar aggregate classification (germline): Conflicting classifications of pathogenicity. Review status: criteria provided, conflicting classifications (1 of 4 stars). 4 submissions from 4 submitters: Uncertain significance (1); Likely benign (2). 1 of the submissions does not count toward it. Last evaluated 2024-04-03.

Conditions:
Hereditary cancer-predisposing syndrome. Also called: Hereditary Cancer Syndrome; Neoplastic Syndromes, Hereditary; Hereditary neoplastic syndrome; Tumor predisposition. Identifiers: Orphanet 140162, MedGen C0027672, MeSH D009386, MONDO:0015356.
Hereditary breast ovarian cancer syndrome. Also called: Hereditary breast and ovarian cancer syndrome (HBOC); Breast and ovarian cancer; Hereditary breast and ovarian cancer syndrome; Hereditary breast and ovarian cancer; BRCA1- and BRCA2-Associated Hereditary Breast and Ovarian Cancer; Hereditary breast and/or ovarian cancer syndrome. Identifiers: Orphanet 145, MedGen C0677776, MeSH D061325, MONDO:0003582. Disease mechanism: loss of function.
Breast-ovarian cancer, familial, susceptibility to, 1 (BROVCA1). Also called: BRCA1 Hereditary Breast and Ovarian Cancer; OVARIAN CANCER, SUSCEPTIBILITY TO. Identifiers: Orphanet 145, MedGen C2676676, MONDO:0011450, OMIM 604370. Disease mechanism: loss of function.

Submissions (5):

Labcorp Genetics (formerly Invitae), Labcorp
Classification: Uncertain significance for Hereditary breast ovarian cancer syndrome. Last evaluated: 2024-04-03. Review status: criteria provided, single submitter. Criteria: Invitae Variant Classification Sherloc (09022015). Collection method: clinical testing. Allele origin: germline.
Comment: This sequence change replaces serine, which is neutral and polar, with leucine, which is neutral and non-polar, at codon 1797 of the BRCA1 protein (p.Ser1797Leu). This variant is not present in population databases (gnomAD no frequency). This variant has not been reported in the literature in individuals affected with BRCA1-related conditions. ClinVar contains an entry for this variant (Variation ID: 252886). Advanced modeling performed at Invitae incorporating data from internal and/or published experimental studies (PMID: 30209399) indicates that this missense variant is not expected to disrupt BRCA1 function with a negative predictive value of 95%. In summary, the available evidence is currently insufficient to determine the role of this variant in disease. Therefore, it has been classified as a Variant of Uncertain Significance.

Ambry Genetics
Classification: Likely benign for Hereditary cancer-predisposing syndrome. Last evaluated: 2023-11-13. Review status: criteria provided, single submitter. Criteria: Ambry Variant Classification Scheme 2023. Collection method: clinical testing. Allele origin: germline.

GeneDx
Classification: Likely benign. Last evaluated: 2017-08-23. Review status: criteria provided, single submitter. Criteria: GeneDx Variant Classification (06012015). Collection method: clinical testing. Allele origin: germline. Affected: yes.
Comment: This variant is considered likely benign or benign based on one or more of the following criteria: it is a conservative change, it occurs at a poorly conserved position in the protein, it is predicted to be benign by multiple in silico algorithms, and/or has population frequency not consistent with disease.

Sharing Clinical Reports Project (SCRP)
Classification: Uncertain significance for Breast-ovarian cancer, familial 1. Last evaluated: 2014-01-14. Review status: no assertion criteria provided. Collection method: clinical testing. Allele origin: germline. Not counted in ClinVar's aggregate classification.

Brotman Baty Institute, University of Washington
No classification provided (evidence only). Condition: Breast-ovarian cancer, familial 1. Review status: no classification provided. Collection method: in vitro. Allele origin: not applicable. Functional consequence: functionally_normal. Not counted in ClinVar's aggregate classification.
ClinVar note: "not provided" was previously submitted as the classification for the variant. However, the classification appeared to be based only on an observation of functional data so it was converted to no classification on 2025-07-30.

Literature cited by the submitters: PubMed 30209399 (cited by Labcorp Genetics (formerly Invitae), Labcorp and Ambry Genetics).

NM_007294.4(BRCA1):c.5390C>T (p.Ser1797Leu)

Gene: BRCA1 (BRCA1 DNA repair associated; minus strand). Cytogenetic location: 17q21.31.
Variant type: single nucleotide variant.
Coding change: c.5390C>T on transcript NM_007294.4 (MANE Select); coding-DNA position 5390, C replaced by T.
Protein change: p.Ser1797Leu; replaces serine 1797 with leucine.
Molecular consequence: missense variant. On other transcripts: non-coding transcript variant (1), intron variant (1).
Genome position (GRCh38, 1-based): chr17:43,049,137, G>A on the plus strand (C>T on the coding strand, the complement: BRCA1 is on the minus strand). VCF-style: chr17-43049137-G-A. GRCh37 (hg19) VCF-style: chr17-41201154-G-A.
Other names: 5509C>T; c.5177C>T, p.Ser1726Leu (NM_001407571.1, NM_001407904.1, NM_001407906.1 and 12 more transcripts); c.5456C>T, p.Ser1819Leu (NM_001407581.1, NM_001407582.1); c.5453C>T, p.Ser1818Leu (NM_001407583.1, NM_001407585.1, NM_001407587.1 and 1 more transcripts); c.5450C>T, p.Ser1817Leu (NM_001407590.1, NM_001407591.1); c.5390C>T, p.Ser1797Leu (NM_001407593.1, NM_001407594.1, NM_001407596.1 and 5 more transcripts); c.5387C>T, p.Ser1796Leu (NM_001407610.1, NM_001407611.1, NM_001407612.1 and 14 more transcripts); c.5384C>T, p.Ser1795Leu (NM_001407627.1, NM_001407628.1, NM_001407629.1 and 13 more transcripts); and 74 more; short protein forms S1797L, S693L, S1750L, S1818L, S1500L, S1684L, S1686L, S1729L.
Identifiers: ClinVar variation 252886 (VCV000252886.11), dbSNP rs879255492, ClinGen allele CA10586114.